The following is an entry in ClinVar:

ClinVar aggregate classification (germline): Uncertain significance (1 of 4 stars; one submission).

Conditions:
SEMA3G-related disorder. Also called: SEMA3G-related condition.

Submission:

PreventionGenetics, part of Exact Sciences
Classification: Uncertain significance for SEMA3G-related condition. Last evaluated: 2025-07-23. Review status: criteria provided, single submitter. Criteria: ACMG Guidelines, 2015. Collection method: clinical testing. Allele origin: germline.
Comment: The SEMA3G c.1355A>G variant is predicted to result in the amino acid substitution p.Asp452Gly. To our knowledge, this variant has not been reported in the literature or in a large population database (gnomAD), indicating this variant is rare. At this time, the clinical significance of this variant is uncertain due to the absence of conclusive functional and genetic evidence.

NM_020163.3(SEMA3G):c.1355A>G (p.Asp452Gly)

Gene: SEMA3G (semaphorin 3G; minus strand). Cytogenetic location: 3p21.1.
Variant type: single nucleotide variant.
Coding change: c.1355A>G on transcript NM_020163.3 (MANE Select); coding-DNA position 1355, A replaced by G.
Protein change: p.Asp452Gly; replaces aspartic acid 452 with glycine.
Molecular consequence: missense variant.
Genome position (GRCh38, 1-based): chr3:52,439,887, T>C on the plus strand (A>G on the coding strand, the complement: SEMA3G is on the minus strand). VCF-style: chr3-52439887-T-C. GRCh37 (hg19) VCF-style: chr3-52473903-T-C.
Other names: short protein forms D452G.
Identifiers: ClinVar variation 4996807 (VCV004996807.1).